The following is an entry in ClinVar:

NM_000257.4(MYH7):c.5730G>A (p.Ala1910=)

Gene: MYH7 (myosin heavy chain 7; minus strand). Cytogenetic location: 14q11.2.
Variant type: single nucleotide variant.
Coding change: c.5730G>A on transcript NM_000257.4 (MANE Select); coding-DNA position 5730, G replaced by A.
Protein change: p.Ala1910=; no amino-acid change (alanine 1910 retained).
Molecular consequence: synonymous variant.
Genome position (GRCh38, 1-based): chr14:23,413,819, C>T on the plus strand (G>A on the coding strand, the complement: MYH7 is on the minus strand). VCF-style: chr14-23413819-C-T. GRCh37 (hg19) VCF-style: chr14-23883028-C-T.
Other names: c.5730G>A (LRG_384t1).
Identifiers: ClinVar variation 454392 (VCV000454392.23), dbSNP rs776940948, ClinGen allele CA048097.

ClinVar aggregate classification (germline): Likely benign. Review status: criteria provided, multiple submitters, no conflicts (2 of 4 stars). 10 submissions from 10 submitters: Likely benign (10). Last evaluated 2026-05-01.

Conditions:
Cardiomyopathy (CMYO). Also called: Cardiomyopathies. Identifiers: Orphanet 167848, MedGen C0878544, MONDO:0004994, HP:0001638. Inheritance: Various modes of inheritance.
MYH7-related disorder. Also called: MYH7-related condition; MYH7-related disease; MYH7-related disorders.
Hypertrophic cardiomyopathy. Also called: HYPERTROPHIC MYOCARDIOPATHY. Identifiers: Orphanet 217569, MedGen C0007194, MeSH D002312, MONDO:0005045, HP:0001639.
Cardiovascular phenotype. Identifiers: MedGen CN230736.

Allele frequency attached by ClinVar (database versions not stated): ExAC 0.00002; gnomAD 0.00002; gnomAD exomes 0.00003; TOPMed 0.00003.
gnomAD v4.1: 52 of 1,614,136 alleles (0.0032%); highest among the groups gnomAD compares: Middle Eastern, 0.016%; no homozygotes.

Submissions (10):

CeGaT Center for Human Genetics Tuebingen
Classification: Likely benign. Last evaluated: 2026-05-01. Review status: criteria provided, single submitter. Criteria: CeGaT Center For Human Genetics Tuebingen Variant Classification Criteria Version 2. Collection method: clinical testing. Allele origin: germline. Affected: yes. Observed: 1 variant allele.
Comment: MYH7: BP4, BP7

Labcorp Genetics (formerly Invitae), Labcorp
Classification: Likely benign for Hypertrophic cardiomyopathy. Last evaluated: 2025-12-24. Review status: criteria provided, single submitter. Criteria: Invitae Variant Classification Sherloc (09022015). Collection method: clinical testing. Allele origin: germline.

Molecular Diagnostic Laboratory for Inherited Cardiovascular Disease, Montreal Heart Institute
Classification: Likely benign. Last evaluated: 2025-04-09. Review status: criteria provided, single submitter. Criteria: ACMG Guidelines, 2015. Collection method: clinical testing. Allele origin: germline. Affected: no.
Comment: BP6;BP7

PreventionGenetics, part of Exact Sciences
Classification: Likely benign for MYH7-related condition. Last evaluated: 2025-01-03. Review status: criteria provided, single submitter. Criteria: ACMG Guidelines, 2015. Collection method: clinical testing. Allele origin: germline.
Comment: This variant is classified as likely benign based on ACMG/AMP sequence variant interpretation guidelines (Richards et al. 2015 PMID: 25741868, with internal and published modifications).

Blueprint Genetics
Classification: Likely benign. Last evaluated: 2024-03-02. Review status: criteria provided, single submitter. Criteria: ACMG Guidelines, 2015. Collection method: clinical testing. Allele origin: germline.

All of Us Research Program, National Institutes of Health
Classification: Likely benign for Cardiomyopathy. Last evaluated: 2023-12-13. Review status: criteria provided, single submitter. Criteria: ACMG Guidelines, 2015. Collection method: clinical testing. Allele origin: germline. Inheritance: Autosomal dominant inheritance. Observed: 9 variant alleles, 9 heterozygotes.
Comment: This study involves interpretation of variants in research participants for the purpose of population health screening. Participant phenotype was not available at the time of variant classification. Additional details can be found in publication PMID: 35346344, PMCID: PMC8962531

CHEO Genetics Diagnostic Laboratory, Children's Hospital of Eastern Ontario
Classification: Likely benign for Cardiomyopathy. Last evaluated: 2023-04-03. Review status: criteria provided, single submitter. Criteria: ACMG Guidelines, 2015. Collection method: clinical testing. Allele origin: germline.

Ambry Genetics
Classification: Likely benign for Cardiovascular phenotype. Last evaluated: 2021-12-13. Review status: criteria provided, single submitter. Criteria: Ambry Variant Classification Scheme 2023. Collection method: clinical testing. Allele origin: germline.

Color Diagnostics, LLC DBA Color Health
Classification: Likely benign for Cardiomyopathy. Last evaluated: 2019-11-06. Review status: criteria provided, single submitter. Criteria: ACMG Guidelines, 2015. Collection method: clinical testing. Allele origin: germline.

Athena Diagnostics
Classification: Likely benign. Last evaluated: 2018-01-05. Review status: criteria provided, single submitter. Criteria: Athena Diagnostics Criteria. Collection method: clinical testing. Allele origin: germline.